The following is an entry in ClinVar:

NM_000455.5(STK11):c.731C>A (p.Thr244Asn)

Gene: STK11 (serine/threonine kinase 11; plus strand). Cytogenetic location: 19p13.3.
Variant type: single nucleotide variant.
Coding change: c.731C>A on transcript NM_000455.5 (MANE Select); coding-DNA position 731, C replaced by A.
Protein change: p.Thr244Asn; replaces threonine 244 with asparagine.
Molecular consequence: missense variant.
Genome position (GRCh38, 1-based): chr19:1,220,714, C>A. VCF-style: chr19-1220714-C-A. GRCh37 (hg19) VCF-style: chr19-1220713-C-A.
Other names: short protein forms T244N.
Identifiers: ClinVar variation 458059 (VCV000458059.10), dbSNP rs1555738476, ClinGen allele CA402949993.

ClinVar aggregate classification (germline): Uncertain significance (1 of 4 stars; one submission).

Conditions:
Peutz-Jeghers syndrome (PJS). Also called: POLYPOSIS, HAMARTOMATOUS INTESTINAL; POLYPS-AND-SPOTS SYNDROME; Peutz-Jeghers polyposis; Periorificial lentiginosis syndrome. Identifiers: Orphanet 2869, MedGen C0031269, MeSH D010580, MONDO:0008280, OMIM 175200.

Submission:

Labcorp Genetics (formerly Invitae), Labcorp
Classification: Uncertain significance for Peutz-Jeghers syndrome. Last evaluated: 2019-06-19. Review status: criteria provided, single submitter. Criteria: Invitae Variant Classification Sherloc (09022015). Collection method: clinical testing. Allele origin: germline.
Comment: This sequence change replaces threonine with asparagine at codon 244 of the STK11 protein (p.Thr244Asn). The threonine residue is highly conserved and there is a small physicochemical difference between threonine and asparagine. This variant is not present in population databases (ExAC no frequency) and has not been reported in the literature in individuals with an STK11-related disease. Algorithms developed to predict the effect of missense changes on protein structure and function (SIFT, PolyPhen-2, Align-GVGD) all suggest that this variant is likely to be disruptive, but these predictions have not been confirmed by published functional studies. In summary, this variant is a novel missense change with uncertain impact on protein function. It has been classified as a Variant of Uncertain Significance.